The following is an entry in ClinVar:

NM_182931.3(KMT2E):c.3494_3495del (p.Arg1165fs)

Gene: KMT2E (lysine methyltransferase 2E (inactive); plus strand). Cytogenetic location: 7q22.3.
Variant type: Microsatellite.
Coding change: c.3494_3495del on transcript NM_182931.3 (MANE Select); coding-DNA positions 3494 to 3495, 2 bases deleted (GA; older notation c.3494_3495delGA).
Protein change: p.Arg1165fs; shifts the reading frame from arginine 1165.
Molecular consequence: frameshift variant.
Genome position (GRCh38, 1-based): chr7:105,108,967-105,108,968, GA deleted; deleting any 2 consecutive bases within chr7:105,108,964-105,108,968 gives the same sequence; the c. name uses the placement nearest the transcript's 3' end. VCF-style (leftmost placement, unchanged base first): chr7-105108963-AAG-A. GRCh37 (hg19) VCF-style: chr7-104749410-AAG-A.
Other names: c.3494_3495del, p.Arg1165fs (NM_018682.4); short protein forms R1165fs.
Identifiers: ClinVar variation 805932 (VCV000805932.2), dbSNP rs1584807827, ClinGen allele CA913184811.

ClinVar aggregate classification (germline): Likely pathogenic (1 of 4 stars; one submission).

Submission:

Broad Center for Mendelian Genomics, Broad Institute of MIT and Harvard
Classification: Likely pathogenic. Last evaluated: 2019-02-07. Review status: criteria provided, single submitter. Criteria: ACMG Guidelines, 2015. Collection method: research. Allele origin: de novo. Inheritance: Autosomal dominant inheritance. Affected: yes.
Comment: Trio exome analysis showed this variant to be de novo. The p.Arg1165Thrfs*3 variant in KMT2E has not been previously reported in individuals with intellectual disabilities and was absent from large population studies. This variant is predicted to cause a frameshift, which alters the proteinâ€™s amino acid sequence beginning at position 1165 and leads to a premature termination codon 3 amino acids downstream. This alteration is then predicted to lead to a truncated or absent protein. This alteration is then predicted to lead to a truncated or absent protein. It is of note, that loss of function of the KMT2E gene in autosomal dominant disease has not yet been established based on the criteria laid out in Tayoun, 2018 (PMID: 30192042). In summary, although additional studies are required to fully establish its clinical significance, this variant is likely pathogenic.